The following is an entry in ClinVar:

ClinVar aggregate classification (germline): Conflicting classifications of pathogenicity. Review status: criteria provided, conflicting classifications (1 of 4 stars). 4 submissions from 4 submitters: Uncertain significance (2); Benign (1). 1 of the submissions does not count toward it. Last evaluated 2024-12-02.

Conditions:
Bardet-Biedl syndrome 20. Identifiers: MedGen C4310707, MONDO:0023670, OMIM 619471, MONDO:0014926.
Retinitis pigmentosa 71 (RP71). Identifiers: Orphanet 791, MedGen C4225342, MONDO:0014618, OMIM 616394.
Short-rib thoracic dysplasia 10 with or without polydactyly (SRTD10). Identifiers: Orphanet 474, MedGen C3810175, MONDO:0014284, OMIM 615630.
IFT172-related disorder. Also called: IFT172-related disorders; IFT172-related condition.

Allele frequency attached by ClinVar (database versions not stated): TOPMed 0.00002; ESP Exome Variant Server 0.00015; 1000 Genomes Project 30x 0.00016; 1000 Genomes Project 0.00020; gnomAD 0.00061; ExAC 0.00064.
gnomAD v4.1: 554 of 1,614,100 alleles (0.034%); highest among the groups gnomAD compares: Middle Eastern, 0.016%; 1 homozygote.

Submissions (4):

Labcorp Genetics (formerly Invitae), Labcorp
Classification: Benign for Retinitis pigmentosa 71; Short-rib thoracic dysplasia 10 with or without polydactyly. Last evaluated: 2024-12-02. Review status: criteria provided, single submitter. Criteria: Invitae Variant Classification Sherloc (09022015). Collection method: clinical testing. Allele origin: germline.

Fulgent Genetics
Classification: Uncertain significance for Short-rib thoracic dysplasia 10 with or without polydactyly; Retinitis pigmentosa 71; Bardet-Biedl syndrome 20. Last evaluated: 2024-04-26. Review status: criteria provided, single submitter. Criteria: ACMG Guidelines, 2015. Collection method: clinical testing. Allele origin: germline.

Blueprint Genetics
Classification: Uncertain significance. Last evaluated: 2024-03-18. Review status: criteria provided, single submitter. Criteria: ACMG Guidelines, 2015. Collection method: clinical testing. Allele origin: germline.

PreventionGenetics, part of Exact Sciences
Classification: Benign for IFT172-related condition. Last evaluated: 2022-07-13. Review status: no assertion criteria provided. Collection method: clinical testing. Allele origin: germline. Not counted in ClinVar's aggregate classification.
Comment: This variant is classified as benign based on ACMG/AMP sequence variant interpretation guidelines (Richards et al. 2015 PMID: 25741868, with internal and published modifications).

NM_015662.3(IFT172):c.1459C>T (p.Arg487Cys)

Gene: IFT172 (intraflagellar transport 172; minus strand). Cytogenetic location: 2p23.3.
Variant type: single nucleotide variant.
Coding change: c.1459C>T on transcript NM_015662.3 (MANE Select); coding-DNA position 1459, C replaced by T.
Protein change: p.Arg487Cys; replaces arginine 487 with cysteine.
Molecular consequence: missense variant.
Genome position (GRCh38, 1-based): chr2:27,472,315, G>A on the plus strand (C>T on the coding strand, the complement: IFT172 is on the minus strand). VCF-style: chr2-27472315-G-A. GRCh37 (hg19) VCF-style: chr2-27695182-G-A.
Other names: c.1459C>T, p.Arg487Cys (NM_001410739.1); c.1459C>T (NM_015662.2); short protein forms R487C.
Identifiers: ClinVar variation 2923650 (VCV002923650.7), dbSNP rs143520040, ClinGen allele CA1580641.